The following is an entry in ClinVar:

NM_001386140.1(MTTP):c.2126dup (p.Tyr710fs)

Gene: MTTP (microsomal triglyceride transfer protein; plus strand). Cytogenetic location: 4q23.
Variant type: Duplication.
Coding change: c.2126dup on transcript NM_001386140.1 (MANE Select); coding-DNA position 2126, one base duplicated (G; older notation c.2126dupG).
Protein change: p.Tyr710fs; shifts the reading frame from tyrosine 710.
Molecular consequence: frameshift variant.
Genome position (GRCh38, 1-based): chr4:99,613,049, G duplicated; the last of 2 consecutive G bases (chr4:99,613,048-99,613,049); duplicating either gives the same sequence. VCF-style (leftmost placement, unchanged base first): chr4-99613047-C-CG. GRCh37 (hg19) VCF-style: chr4-100534204-C-CG.
Other names: c.2126dup, p.Tyr710fs (NM_000253.4); c.1877dup, p.Tyr627fs (NM_001300785.2); short protein forms Y710fs, Y627fs.
Identifiers: ClinVar variation 1373188 (VCV001373188.6), dbSNP rs2110233238, ClinGen allele CA2573138391.

ClinVar aggregate classification (germline): Pathogenic (1 of 4 stars; one submission).

Submission:

Labcorp Genetics (formerly Invitae), Labcorp
Classification: Pathogenic. Last evaluated: 2023-07-19. Review status: criteria provided, single submitter. Criteria: Invitae Variant Classification Sherloc (09022015). Collection method: clinical testing. Allele origin: germline.
Comment: This sequence change creates a premature translational stop signal (p.Tyr710Ilefs*3) in the MTTP gene. It is expected to result in an absent or disrupted protein product. Loss-of-function variants in MTTP are known to be pathogenic (PMID: 8533758, 9671739). This variant is not present in population databases (gnomAD no frequency). This variant has not been reported in the literature in individuals affected with MTTP-related conditions. ClinVar contains an entry for this variant (Variation ID: 1373188). For these reasons, this variant has been classified as Pathogenic.

Literature cited by the submitters: PubMed 8533758; PubMed 9671739.